The following is an entry in ClinVar:

NM_002474.3(MYH11):c.5491G>C (p.Glu1831Gln)

Genes: NDE1 (nudE neurodevelopment protein 1; plus strand), MYH11 (myosin heavy chain 11; minus strand). Cytogenetic location: 16p13.11.
Variant type: single nucleotide variant.
Coding change: c.5491G>C on transcript NM_002474.3 (MANE Select); coding-DNA position 5491, G replaced by C.
Protein change: p.Glu1831Gln; replaces glutamic acid 1831 with glutamine.
Molecular consequence: missense variant. On other transcripts: intron variant (2).
Genome position (GRCh38, 1-based): chr16:15,717,153, C>G on the plus strand (G>C on the coding strand, the complement: MYH11 is on the minus strand). VCF-style: chr16-15717153-C-G. GRCh37 (hg19) VCF-style: chr16-15811010-C-G.
Other names: c.5512G>C, p.Glu1838Gln (NM_001040113.2, NM_001040114.2); c.5491G>C, p.Glu1831Gln (NM_022844.3); c.948-7038C>G (NM_001143979.2, NM_017668.3); short protein forms E1831Q, E1838Q.
Identifiers: ClinVar variation 921766 (VCV000921766.8), dbSNP rs750433973, ClinGen allele CA7921257.
Genomic context (GRCh38, chr16:15,717,153, plus strand): 5'-TCCATCACCCCCCTGCAAACTGGGTTCGGAACTCCACACCCGCATACCTGGCCTCCTGCT[C>G]GACCTGCTCCTCCAGCTGTGCAATCTTGGCCTCCAGCGCCGCGATGGTGGACTTGAACTT-3'
Protein context (NP_002465.1, residues 1821-1841): AKIAQLEEQV[Glu1831Gln]QEAREKQAAT

ClinVar aggregate classification (germline): Uncertain significance. Review status: criteria provided, multiple submitters, no conflicts (2 of 4 stars). 3 submissions from 3 submitters: Uncertain significance (3). Last evaluated 2024-03-06.

Conditions:
Familial thoracic aortic aneurysm and aortic dissection (TAAD). Also called: Thoracic aortic aneurysms and dissections. Identifiers: Orphanet 91387, MedGen C4707243, MONDO:0019625.

Allele frequency attached by ClinVar (database versions not stated): gnomAD exomes below 0.00001; ExAC 0.00001.
gnomAD v4.1: 1 of 1,614,070 alleles (0.000062%); highest among the groups gnomAD compares: Non-Finnish European, 0.000085%; no homozygotes.

Submissions (3):

Color Diagnostics, LLC DBA Color Health
Classification: Uncertain significance for Familial thoracic aortic aneurysm and aortic dissection. Last evaluated: 2024-03-06. Review status: criteria provided, single submitter. Criteria: ACMG Guidelines, 2015. Collection method: clinical testing. Allele origin: germline.
Comment: This missense variant replaces glutamic acid with glutamine at codon 1838 of the MYH11 protein. Computational prediction is inconclusive regarding the impact of this variant on protein structure and function (internally defined REVEL score threshold 0.5 < inconclusive < 0.7, PMID: 27666373). To our knowledge, functional studies have not been reported for this variant. This variant has not been reported in individuals affected with MYH11-related disorders in the literature. This variant has not been identified in the general population by the Genome Aggregation Database (gnomAD). The available evidence is insufficient to determine the role of this variant in disease conclusively. Therefore, this variant is classified as a Variant of Uncertain Significance.

All of Us Research Program, National Institutes of Health
Classification: Uncertain significance for Familial thoracic aortic aneurysm and aortic dissection. Last evaluated: 2024-02-05. Review status: criteria provided, single submitter. Criteria: ACMG Guidelines, 2015. Collection method: clinical testing. Allele origin: germline. Inheritance: Autosomal dominant inheritance. Observed: 2 variant alleles, 2 heterozygotes.
Comment: Variant of Uncertain Significance due to insufficient evidence: This missense variant replaces glutamic acid with glutamine at codon 1838 of the MYH11 protein. Computational prediction tools and conservation analyses suggest that this variant may have deleterious impact on the protein function. Computational splicing tools suggest that this variant may not impact RNA splicing. To our knowledge, functional assays have not been performed for this variant nor has this variant been reported in individuals affected with cardiovascular disorders in the literature. This variant is rare in the general population and has been identified in 0/277264 chromosomes by the Genome Aggregation Database (gnomAD). Available evidence is insufficient to determine the role of this variant in disease conclusively.

This study involves interpretation of variants in research participants for the purpose of population health screening. Participant phenotype was not available at the time of variant classification. Additional details can be found in publication PMID: 35346344, PMCID: PMC8962531

Ambry Genetics
Classification: Uncertain significance for Familial thoracic aortic aneurysm and aortic dissection. Last evaluated: 2023-02-23. Review status: criteria provided, single submitter. Criteria: Ambry Variant Classification Scheme 2023. Collection method: clinical testing. Allele origin: germline.